The following is an entry in ClinVar:

NM_001089.3(ABCA3):c.4376G>A (p.Gly1459Asp)

Gene: ABCA3 (ATP binding cassette subfamily A member 3; minus strand). Cytogenetic location: 16p13.3.
Variant type: single nucleotide variant.
Coding change: c.4376G>A on transcript NM_001089.3 (MANE Select); coding-DNA position 4376, G replaced by A.
Protein change: p.Gly1459Asp; replaces glycine 1459 with aspartic acid.
Molecular consequence: missense variant.
Genome position (GRCh38, 1-based): chr16:2,279,114, C>T on the plus strand (G>A on the coding strand, the complement: ABCA3 is on the minus strand). VCF-style: chr16-2279114-C-T. GRCh37 (hg19) VCF-style: chr16-2329115-C-T.
Other names: short protein forms G1459D.
Identifiers: ClinVar variation 1740119 (VCV001740119.3), dbSNP rs2505613797, ClinGen allele CA394307699.

ClinVar aggregate classification (germline): Likely pathogenic. Review status: criteria provided, multiple submitters, no conflicts (2 of 4 stars). 2 submissions from 2 submitters: Likely pathogenic (2). Last evaluated 2024-10-25.

Conditions:
Hereditary pulmonary alveolar proteinosis. Also called: Pulmonary surfactant metabolism dysfunction. Identifiers: Orphanet 264675, MedGen C3711368, MONDO:0012580.

Submissions (2):

GeneDx
Classification: Likely pathogenic. Last evaluated: 2024-10-25. Review status: criteria provided, single submitter. Criteria: GeneDx Variant Classification Process June 2021. Collection method: clinical testing. Allele origin: germline. Affected: yes.
Comment: Not observed at significant frequency in large population cohorts (gnomAD); In silico analysis supports that this missense variant has a deleterious effect on protein structure/function; This variant is associated with the following publications: (PMID: 34638622, 35170262, 24871971)

Ambry Genetics
Classification: Likely pathogenic for Hereditary pulmonary alveolar proteinosis. Last evaluated: 2014-09-10. Review status: criteria provided, single submitter. Criteria: Ambry Variant Classification Scheme 2023. Collection method: clinical testing. Allele origin: germline.
Comment: The p.G1459D variant (also known as c.4376G>A), located in coding exon 26 of the ABCA3 gene, results from a G to A substitution at nucleotide position 4376. The glycine at codon 1459 is replaced by aspartic acid, an amino acid with some similar properties. This variant was not reported in population based cohorts in the following databases: Database of Single Nucleotide Polymorphisms (dbSNP), NHLBI Exome Sequencing Project (ESP), and 1000 Genomes Project. In the ESP, this variant was not observed in 6,495 samples (12,990 alleles) with coverage at this position. This amino acid position is highly conserved in available vertebrate species. In addition, this alteration is predicted to be deleterious by in silico analysis. Based on the majority of available evidence to date, this variant is likely to be pathogenic.

Literature cited by the submitters: PubMed 24871971 (cited by Ambry Genetics).